The following is an entry in ClinVar:

NM_015346.4(ZFYVE26):c.6560G>A (p.Arg2187Gln)

Gene: ZFYVE26 (zinc finger FYVE-type containing 26; minus strand). Cytogenetic location: 14q24.1.
Variant type: single nucleotide variant.
Coding change: c.6560G>A on transcript NM_015346.4 (MANE Select); coding-DNA position 6560, G replaced by A.
Protein change: p.Arg2187Gln; replaces arginine 2187 with glutamine.
Molecular consequence: missense variant.
Genome position (GRCh38, 1-based): chr14:67,761,394, C>T on the plus strand (G>A on the coding strand, the complement: ZFYVE26 is on the minus strand). VCF-style: chr14-67761394-C-T. GRCh37 (hg19) VCF-style: chr14-68228111-C-T.
Other names: short protein forms R2187Q.
Identifiers: ClinVar variation 805499 (VCV000805499.6), dbSNP rs151306544, ClinGen allele CA7239205.

ClinVar aggregate classification (germline): Uncertain significance. Review status: criteria provided, multiple submitters, no conflicts (2 of 4 stars). 4 submissions from 4 submitters: Uncertain significance (4). Last evaluated 2025-08-18.

Conditions:
Inborn genetic diseases. Identifiers: MedGen C0950123, MeSH D030342.
Spastic paraplegia. Identifiers: MedGen C0037772, HP:0001258.

Allele frequency attached by ClinVar (database versions not stated): gnomAD 0.00005 and 0.00004; ESP Exome Variant Server 0.00008; gnomAD exomes 0.00008 and 0.00012; 1000 Genomes Project 30x 0.00016; 1000 Genomes Project 0.00020; ExAC 0.00020; TOPMed 0.00003.
gnomAD v4.1: 134 of 1,613,534 alleles (0.0083%); highest among the groups gnomAD compares: Middle Eastern, 0.05%; no homozygotes.

Submissions (4):

Labcorp Genetics (formerly Invitae), Labcorp
Classification: Uncertain significance for Spastic paraplegia. Last evaluated: 2025-08-18. Review status: criteria provided, single submitter. Criteria: Invitae Variant Classification Sherloc (09022015). Collection method: clinical testing. Allele origin: germline.
Comment: This sequence change replaces arginine, which is basic and polar, with glutamine, which is neutral and polar, at codon 2187 of the ZFYVE26 protein (p.Arg2187Gln). This variant is present in population databases (rs151306544, gnomAD 0.06%). This missense change has been observed in individual(s) with hereditary spastic paraplegia (internal data). ClinVar contains an entry for this variant (Variation ID: 805499). An algorithm developed to predict the effect of missense changes on protein structure and function (PolyPhen-2) suggests that this variant is likely to be disruptive. In summary, the available evidence is currently insufficient to determine the role of this variant in disease. Therefore, it has been classified as a Variant of Uncertain Significance.

Ambry Genetics
Classification: Uncertain significance for Inborn genetic diseases. Last evaluated: 2024-11-20. Review status: criteria provided, single submitter. Criteria: Ambry Variant Classification Scheme 2023. Collection method: clinical testing. Allele origin: germline.

Blueprint Genetics
Classification: Uncertain significance. Last evaluated: 2024-08-15. Review status: criteria provided, single submitter. Criteria: ACMG Guidelines, 2015. Collection method: clinical testing. Allele origin: germline.

Athena Diagnostics
Classification: Uncertain significance. Last evaluated: 2019-01-11. Review status: criteria provided, single submitter. Criteria: Athena Diagnostics Criteria. Collection method: clinical testing. Allele origin: germline.